The following is an entry in ClinVar:

NM_001321120.2(TBX4):c.1113C>A (p.Pro371=)

Gene: TBX4 (T-box transcription factor 4; plus strand). Cytogenetic location: 17q23.2.
Variant type: single nucleotide variant.
Coding change: c.1113C>A on transcript NM_001321120.2 (MANE Select); coding-DNA position 1113, C replaced by A.
Protein change: p.Pro371=; no amino-acid change (proline 371 retained).
Molecular consequence: synonymous variant.
Genome position (GRCh38, 1-based): chr17:61,482,988, C>A. VCF-style: chr17-61482988-C-A. GRCh37 (hg19) VCF-style: chr17-59560349-C-A.
Other names: c.1110C>A, p.Pro370= (NM_018488.3).
Identifiers: ClinVar variation 723058 (VCV000723058.14), dbSNP rs140385970, ClinGen allele CA8690029.

ClinVar aggregate classification (germline): Likely benign. Review status: criteria provided, multiple submitters, no conflicts (2 of 4 stars). 4 submissions from 4 submitters: Likely benign (3). 1 of the submissions does not count toward it. Last evaluated 2026-02-01.

Conditions:
TBX4-related disorder. Also called: TBX4-related disorders; TBX4-related condition.

Allele frequency attached by ClinVar (database versions not stated): TOPMed 0.00002.
gnomAD v4.1: 56 of 1,613,958 alleles (0.0035%); highest among the groups gnomAD compares: Non-Finnish European, 0.0042%; no homozygotes.

Submissions (4):

CeGaT Center for Human Genetics Tuebingen
Classification: Likely benign. Last evaluated: 2026-02-01. Review status: criteria provided, single submitter. Criteria: CeGaT Center For Human Genetics Tuebingen Variant Classification Criteria Version 2. Collection method: clinical testing. Allele origin: germline. Affected: yes. Observed: 1 variant allele.
Comment: TBX4: BP4, BP7

Labcorp Genetics (formerly Invitae), Labcorp
Classification: Likely benign. Last evaluated: 2023-11-19. Review status: criteria provided, single submitter. Criteria: Invitae Variant Classification Sherloc (09022015). Collection method: clinical testing. Allele origin: germline.

Blueprint Genetics
Classification: Likely benign. Last evaluated: 2021-02-24. Review status: criteria provided, single submitter. Criteria: ACMG Guidelines, 2015. Collection method: clinical testing. Allele origin: germline.

PreventionGenetics, part of Exact Sciences
Classification: Likely benign for TBX4-related condition. Last evaluated: 2019-02-22. Review status: no assertion criteria provided. Collection method: clinical testing. Allele origin: germline. Not counted in ClinVar's aggregate classification.
Comment: This variant is classified as likely benign based on ACMG/AMP sequence variant interpretation guidelines (Richards et al. 2015 PMID: 25741868, with internal and published modifications).